The following is an entry in ClinVar:

NM_000051.4(ATM):c.1898+10C>T

Gene: ATM (ATM serine/threonine kinase; plus strand). Cytogenetic location: 11q22.3.
Variant type: single nucleotide variant.
Coding change: c.1898+10C>T on transcript NM_000051.4 (MANE Select); 10 bases into the intron after coding-DNA position 1898, C replaced by T.
Molecular consequence: intron variant.
Genome position (GRCh38, 1-based): chr11:108,252,922, C>T. VCF-style: chr11-108252922-C-T. GRCh37 (hg19) VCF-style: chr11-108123649-C-T.
Other names: c.1898+10C>T (NM_001351834.2).
Identifiers: ClinVar variation 3253745 (VCV003253745.1), dbSNP rs199570442.
Genomic context (GRCh38, chr11:108,252,922, plus strand): 5'-TATGAAAAACTGTAAAGCTGCAATGAATTTTTTCCAAAGCGTGCCAGAATGGTATGTTAT[C>T]TAATAATGCTCTTTATCATTTTAAGCTATAGCTTTAATTACAAAGATGATAATTTTAGCT-3'

ClinVar aggregate classification (germline): Likely benign (1 of 4 stars; one submission).

Conditions:
Familial cancer of breast. Also called: BREAST CANCER, FAMILIAL; Hereditary breast cancer; hereditary breast carcinoma. Identifiers: Orphanet 227535, MedGen C0346153, MONDO:0016419, OMIM 114480. Disease mechanism: loss of function.

Submission:

Myriad Genetics, Inc.
Classification: Likely benign for Familial cancer of breast. Last evaluated: 2024-05-02. Review status: criteria provided, single submitter. Criteria: Myriad Autosomal Dominant, Autosomal Recessive and X-Linked Classification Criteria (2023). Collection method: clinical testing. Allele origin: unknown.
Comment: This variant is considered likely benign. This variant is intronic and is not expected to impact mRNA splicing.